The following is an entry in ClinVar:

NM_177438.3(DICER1):c.5729G>T (p.Arg1910Leu)

Gene: DICER1 (dicer 1, ribonuclease III; minus strand). Cytogenetic location: 14q32.13.
Variant type: single nucleotide variant.
Coding change: c.5729G>T on transcript NM_177438.3 (MANE Select); coding-DNA position 5729, G replaced by T.
Protein change: p.Arg1910Leu; replaces arginine 1910 with leucine.
Molecular consequence: missense variant. On other transcripts: non-coding transcript variant (6), 3 prime UTR variant (1).
Genome position (GRCh38, 1-based): chr14:95,090,538, C>A on the plus strand (G>T on the coding strand, the complement: DICER1 is on the minus strand). VCF-style: chr14-95090538-C-A. GRCh37 (hg19) VCF-style: chr14-95556875-C-A.
Other names: c.*76G>T (NM_001195573.1); c.5729G>T, p.Arg1910Leu (NM_001271282.3, NM_001291628.2, NM_001395677.1 and 7 more transcripts); c.5447G>T, p.Arg1816Leu (NM_001395686.1); c.5324G>T, p.Arg1775Leu (NM_001395687.1, NM_001395688.1, NM_001395689.1 and 1 more transcripts); c.5162G>T, p.Arg1721Leu (NM_001395691.1); c.4046G>T, p.Arg1349Leu (NM_001395697.1); short protein forms R1349L, R1816L, R1910L, R1721L, R1775L.
Identifiers: ClinVar variation 5035257 (VCV005035257.1).

ClinVar aggregate classification (germline): Uncertain significance (1 of 4 stars; one submission).

Conditions:
Hereditary cancer-predisposing syndrome. Also called: Hereditary Cancer Syndrome; Neoplastic Syndromes, Hereditary; Tumor predisposition; Hereditary neoplastic syndrome. Identifiers: Orphanet 140162, MedGen C0027672, MeSH D009386, MONDO:0015356.

Submission:

Ambry Genetics
Classification: Uncertain significance for Hereditary cancer-predisposing syndrome. Last evaluated: 2026-07-06. Review status: criteria provided, single submitter. Criteria: Ambry Variant Classification Scheme 2023. Collection method: clinical testing. Allele origin: germline.
Comment: The p.R1910L variant (also known as c.5729G>T), located in coding exon 26 of the DICER1 gene, results from a G to T substitution at nucleotide position 5729. The arginine at codon 1910 is replaced by leucine, an amino acid with dissimilar properties. This amino acid position is conserved. In addition, this alteration is predicted to be deleterious by in silico analysis. Based on the available evidence, the clinical significance of this variant remains unclear.